The following is an entry in ClinVar:

NM_206933.4(USH2A):c.12992A>G (p.Tyr4331Cys)

Gene: USH2A (usherin; minus strand). Cytogenetic location: 1q41.
Variant type: single nucleotide variant.
Coding change: c.12992A>G on transcript NM_206933.4 (MANE Select); coding-DNA position 12992, A replaced by G.
Protein change: p.Tyr4331Cys; replaces tyrosine 4331 with cysteine.
Molecular consequence: missense variant.
Genome position (GRCh38, 1-based): chr1:215,674,919, T>C on the plus strand (A>G on the coding strand, the complement: USH2A is on the minus strand). VCF-style: chr1-215674919-T-C. GRCh37 (hg19) VCF-style: chr1-215848261-T-C.
Other names: short protein forms Y4331C.
Identifiers: ClinVar variation 1024751 (VCV001024751.12), dbSNP rs1423233510, ClinGen allele CA344847917.

ClinVar aggregate classification (germline): Conflicting classifications of pathogenicity. Review status: criteria provided, conflicting classifications (1 of 4 stars). 4 submissions from 4 submitters: Pathogenic (1); Likely pathogenic (1); Uncertain significance (2). Last evaluated 2026-08-06.

Conditions:
USH2A-related disorder. Also called: USH2A-related condition; USH2A-related disorders. Identifiers: MedGen CN239332.
Usher syndrome type 2A. Also called: USHER SYNDROME, TYPE IIA; RETINAL DISEASE IN USHER SYNDROME TYPE IIA, MODIFIER OF. Identifiers: Orphanet 231178, Orphanet 886, MedGen C1848634, MONDO:0010169, OMIM 276901.
Retinitis pigmentosa 39 (RP39). Identifiers: Orphanet 791, MedGen C3151138, MONDO:0013436, OMIM 613809.

Allele frequency attached by ClinVar (database versions not stated): gnomAD exomes below 0.00001; TOPMed below 0.00001; gnomAD 0.00001.
gnomAD v4.1: 2 of 1,614,002 alleles (0.00012%); highest among the groups gnomAD compares: East Asian, 0.0022%; no homozygotes.

Submissions (4):

Myriad Genetics, Inc.
Classification: Uncertain significance for USH2A-related disorder. Last evaluated: 2026-08-06. Review status: criteria provided, single submitter. Criteria: Myriad Autosomal Dominant, Autosomal Recessive and X-Linked Classification Criteria (2023). Collection method: clinical testing. Allele origin: unknown.
Comment: NM_206933.2(USH2A):c.12992A>G(Y4331C) is a missense variant classified as a variant of uncertain significance in the context of USH2A-related disorders. Y4331C has been observed in cases with relevant disease (PMID: 26927203, 32675063). Relevant functional assessments of this variant are not available in the literature. Y4331C has not been observed in referenced population frequency databases. In summary, there is insufficient evidence to classify NM_206933.2(USH2A):c.12992A>G(Y4331C) as pathogenic or benign. Please note: this variant was assessed in the context of healthy population screening.

Fulgent Genetics
Classification: Likely pathogenic for Usher syndrome type 2A; Retinitis pigmentosa 39. Last evaluated: 2024-01-22. Review status: criteria provided, single submitter. Criteria: ACMG Guidelines, 2015. Collection method: clinical testing. Allele origin: germline.

Labcorp Genetics (formerly Invitae), Labcorp
Classification: Pathogenic. Last evaluated: 2023-09-21. Review status: criteria provided, single submitter. Criteria: Invitae Variant Classification Sherloc (09022015). Collection method: clinical testing. Allele origin: germline.
Comment: For these reasons, this variant has been classified as Pathogenic. Advanced modeling of protein sequence and biophysical properties (such as structural, functional, and spatial information, amino acid conservation, physicochemical variation, residue mobility, and thermodynamic stability) performed at Invitae indicates that this missense variant is expected to disrupt USH2A protein function. ClinVar contains an entry for this variant (Variation ID: 1024751). This missense change has been observed in individual(s) with clinical features of Usher syndrome (PMID: 26927203, 32675063; Invitae). In at least one individual the data is consistent with being in trans (on the opposite chromosome) from a pathogenic variant. This variant is not present in population databases (gnomAD no frequency). This sequence change replaces tyrosine, which is neutral and polar, with cysteine, which is neutral and slightly polar, at codon 4331 of the USH2A protein (p.Tyr4331Cys).

Blueprint Genetics
Classification: Uncertain significance. Last evaluated: 2020-04-07. Review status: criteria provided, single submitter. Criteria: ACMG Guidelines, 2015. Collection method: clinical testing. Allele origin: germline.

Literature cited by the submitters: PubMed 26927203 (cited by Myriad Genetics, Inc. and Labcorp Genetics (formerly Invitae), Labcorp); PubMed 32675063 (cited by Myriad Genetics, Inc. and Labcorp Genetics (formerly Invitae), Labcorp).